The following is an entry in ClinVar:

ClinVar aggregate classification (germline): Likely pathogenic (1 of 4 stars; one submission).

Conditions:
Orofaciodigital syndrome I (OFD1). Also called: OFDS I; Oral-Facial-Digital Syndrome Type I; Papillon-Leage and Psaume Syndrome. Identifiers: Orphanet 2750, MedGen C1510460, MONDO:0010702, OMIM 311200.

Submissions (2):

Women's Health and Genetics/Laboratory Corporation of America, LabCorp
Classification: Likely pathogenic for Orofaciodigital syndrome I. Last evaluated: 2025-03-04. Review status: criteria provided, single submitter. Criteria: LabCorp Variant Classification Summary - May 2015. Collection method: clinical testing. Allele origin: germline.
Comment: Variant summary: OFD1 c.2387+2T>C is located in a canonical splice-site and is predicted to affect mRNA splicing resulting in a significantly altered protein due to either exon skipping, shortening, or inclusion of intronic material. Variants that disrupt the consensus splice site are a relatively common cause of aberrant splicing and loss of OFD1 function. Several computational tools predict a significant impact on normal splicing: One predicts the variant has no significant impact on splicing. Three predict the variant abolishes a 5' splicing donor site. However, these predictions have yet to be confirmed by functional studies. The variant was absent in 183411 control chromosomes. To our knowledge, no occurrence of c.2387+2T>C in individuals affected with Orofaciodigital Syndrome I and no experimental evidence demonstrating its impact on protein function have been reported. No submitters have cited clinical-significance assessments for this variant to ClinVar. Based on the evidence outlined above, the variant was classified as likely pathogenic.

Dr. Peter K. Rogan Lab, Western University
No classification provided (evidence only). Condition: Nonpapillary renal cell carcinoma. Review status: no classification provided. Collection method: in vitro. Allele origin: not applicable. Functional consequence: retained intron. Not counted in ClinVar's aggregate classification.

NM_003611.3(OFD1):c.2387+2T>C

Gene: OFD1 (OFD1 centriole and centriolar satellite protein; plus strand). Cytogenetic location: Xp22.2.
Variant type: single nucleotide variant.
Coding change: c.2387+2T>C on transcript NM_003611.3 (MANE Select); the canonical splice donor site of the intron after coding-DNA position 2387, T replaced by C.
Molecular consequence: splice donor variant.
Genome position (GRCh38, 1-based): chrX:13,761,213, T>C. VCF-style: chrX-13761213-T-C. GRCh37 (hg19) VCF-style: chrX-13779332-T-C.
Other names: NC_000023.10:g.13779332T>C; c.1967+2T>C (NM_001330210.2); c.2267+2T>C (NM_001330209.2).
Identifiers: ClinVar variation 3895838 (VCV003895838.2).
Genomic context (GRCh38, chrX:13,761,213, plus strand): 5'-GAGTCTAGGCACAGCCTCTCCATCCCTCCTGTCTCCAGCCCTCCGGAGCAGAAAGTGGGG[T>C]AAGTATAACGTTCTGATTGATTAGCTTCAGCTGAATAATGTTACTTGCTCTGTCAGCCTT-3'